The following is an entry in ClinVar:

NM_053025.4(MYLK):c.4625C>T (p.Ser1542Leu)

Gene: MYLK (myosin light chain kinase; minus strand). Cytogenetic location: 3q21.1.
Variant type: single nucleotide variant.
Coding change: c.4625C>T on transcript NM_053025.4 (MANE Select); coding-DNA position 4625, C replaced by T.
Protein change: p.Ser1542Leu; replaces serine 1542 with leucine.
Molecular consequence: missense variant.
Genome position (GRCh38, 1-based): chr3:123,640,499, G>A on the plus strand (C>T on the coding strand, the complement: MYLK is on the minus strand). VCF-style: chr3-123640499-G-A. GRCh37 (hg19) VCF-style: chr3-123359346-G-A.
Other names: c.4097C>T, p.Ser1366Leu (NM_001321309.2); c.4418C>T, p.Ser1473Leu (NM_053026.4, NM_053028.4); c.4625C>T, p.Ser1542Leu (NM_053027.4); short protein forms S1366L, S1473L, S1542L.
Identifiers: ClinVar variation 1297643 (VCV001297643.10), dbSNP rs775096552, ClinGen allele CA071943.

ClinVar aggregate classification (germline): Uncertain significance. Review status: criteria provided, multiple submitters, no conflicts (2 of 4 stars). 4 submissions from 4 submitters: Uncertain significance (2). 2 of the submissions do not count toward it. Last evaluated 2025-12-08.

Conditions:
Familial thoracic aortic aneurysm and aortic dissection (TAAD). Also called: Thoracic aortic aneurysms and dissections. Identifiers: Orphanet 91387, MedGen C4707243, MONDO:0019625.
Aortic aneurysm, familial thoracic 7 (AAT7). Also called: AORTIC DISSECTION, FAMILIAL, WITH OR WITHOUT AORTIC ANEURYSM. Identifiers: MedGen C3151077, MONDO:0013418, OMIM 613780.

Allele frequency attached by ClinVar (database versions not stated): ExAC 0.00001; gnomAD 0.00001; gnomAD exomes 0.00001; TOPMed 0.00001.
gnomAD v4.1: 17 of 1,613,852 alleles (0.0011%); highest among the groups gnomAD compares: Non-Finnish European, 0.0014%; no homozygotes.

Submissions (4):

Labcorp Genetics (formerly Invitae), Labcorp
Classification: Uncertain significance for Aortic aneurysm, familial thoracic 7. Last evaluated: 2025-12-08. Review status: criteria provided, single submitter. Criteria: Invitae Variant Classification Sherloc (09022015). Collection method: clinical testing. Allele origin: germline.
Comment: This sequence change replaces serine, which is neutral and polar, with leucine, which is neutral and non-polar, at codon 1542 of the MYLK protein (p.Ser1542Leu). This variant is present in population databases (rs775096552, gnomAD 0.003%). This variant has not been reported in the literature in individuals affected with MYLK-related conditions. ClinVar contains an entry for this variant (Variation ID: 1297643). Invitae Evidence Modeling of protein sequence and biophysical properties (such as structural, functional, and spatial information, amino acid conservation, physicochemical variation, residue mobility, and thermodynamic stability) has been performed for this missense variant. However, the output from this modeling did not meet the statistical confidence thresholds required to predict the impact of this variant on MYLK protein function. In summary, the available evidence is currently insufficient to determine the role of this variant in disease. Therefore, it has been classified as a Variant of Uncertain Significance.

Ambry Genetics
Classification: Uncertain significance for Familial thoracic aortic aneurysm and aortic dissection. Last evaluated: 2021-05-20. Review status: criteria provided, single submitter. Criteria: Ambry Variant Classification Scheme 2023. Collection method: clinical testing. Allele origin: germline.
Comment: The p.S1542L variant (also known as c.4625C>T), located in coding exon 25 of the MYLK gene, results from a C to T substitution at nucleotide position 4625. The serine at codon 1542 is replaced by leucine, an amino acid with dissimilar properties. This amino acid position is highly conserved in available vertebrate species. In addition, this alteration is predicted to be deleterious by in silico analysis. Since supporting evidence is limited at this time, the clinical significance of this alteration remains unclear.

Clinical Genetics DNA and cytogenetics Diagnostics Lab, Erasmus MC, Erasmus Medical Center
Classification: Uncertain significance. Review status: no assertion criteria provided. Collection method: clinical testing. Allele origin: germline. Affected: yes. Study: VKGL Data-share Consensus. Not counted in ClinVar's aggregate classification.

Joint Genome Diagnostic Labs from Nijmegen and Maastricht, Radboudumc and MUMC+
Classification: Uncertain significance. Review status: no assertion criteria provided. Collection method: clinical testing. Allele origin: germline. Affected: yes. Study: VKGL Data-share Consensus. Not counted in ClinVar's aggregate classification.